The following is an entry in ClinVar:

NM_001165963.4(SCN1A):c.3067_3071del (p.Val1023fs)

Gene: SCN1A (sodium voltage-gated channel alpha subunit 1; minus strand). Cytogenetic location: 2q24.3.
Variant type: Deletion.
Coding change: c.3067_3071del on transcript NM_001165963.4 (MANE Select); coding-DNA positions 3067 to 3071, 5 bases deleted (GTAGC; older notation c.3067_3071delGTAGC).
Protein change: p.Val1023fs; shifts the reading frame from valine 1023.
Molecular consequence: frameshift variant. On other transcripts: non-coding transcript variant (1).
Genome position (GRCh38, 1-based): chr2:166,036,406-166,036,410, GCTAC deleted on the plus strand (GTAGC on the coding strand, the reverse complement: SCN1A is on the minus strand). VCF-style (leftmost placement, unchanged base first): chr2-166036405-AGCTAC-A. GRCh37 (hg19) VCF-style: chr2-166892915-AGCTAC-A.
Other names: c.2983_2987del, p.Val995fs (NM_001165964.3, NM_001353957.2, NM_001353958.2); c.3067_3071del, p.Val1023fs (NM_001202435.3, NM_001353948.2); c.3034_3038del, p.Val1012fs (NM_001353949.2, NM_001353950.2, NM_001353951.2 and 2 more transcripts); c.3031_3035del, p.Val1011fs (NM_001353954.2, NM_001353955.2); c.2980_2984del, p.Val994fs (NM_001353960.2); c.625_629del, p.Val209fs (NM_001353961.2); short protein forms V1011fs, V1012fs, V1023fs, V209fs, V994fs, V995fs.
Identifiers: ClinVar variation 1163418 (VCV001163418.5), dbSNP rs2105796501, ClinGen allele CA2499215183.

ClinVar aggregate classification (germline): Pathogenic (1 of 4 stars; one submission).

Submission:

Mayo Clinic Laboratories, Mayo Clinic
Classification: Pathogenic. Last evaluated: 2019-05-20. Review status: criteria provided, single submitter. Criteria: ACMG Guidelines, 2015. Collection method: clinical testing. Allele origin: germline. Observed: 1 variant allele.
Comment: PVS1, PM2, PP4